The following is an entry in ClinVar:

NM_170606.3(KMT2C):c.903A>G (p.Lys301=)

Gene: KMT2C (lysine methyltransferase 2C; minus strand). Cytogenetic location: 7q36.1.
Variant type: single nucleotide variant.
Coding change: c.903A>G on transcript NM_170606.3 (MANE Select); coding-DNA position 903, A replaced by G.
Protein change: p.Lys301=; no amino-acid change (lysine 301 retained).
Molecular consequence: synonymous variant.
Genome position (GRCh38, 1-based): chr7:152,273,814, T>C on the plus strand (A>G on the coding strand, the complement: KMT2C is on the minus strand). VCF-style: chr7-152273814-T-C. GRCh37 (hg19) VCF-style: chr7-151970899-T-C.
Identifiers: ClinVar variation 2571302 (VCV002571302.27), dbSNP rs577540910, ClinGen allele CA169231575.

ClinVar aggregate classification (germline): Likely benign (1 of 4 stars; one submission).

Allele frequency attached by ClinVar (database versions not stated): 1000 Genomes Project 0.00020; 1000 Genomes Project 30x 0.00031.

Submission:

CeGaT Center for Human Genetics Tuebingen
Classification: Likely benign. Last evaluated: 2025-08-01. Review status: criteria provided, single submitter. Criteria: CeGaT Center For Human Genetics Tuebingen Variant Classification Criteria Version 2. Collection method: clinical testing. Allele origin: germline. Affected: yes. Observed: 7 variant alleles.
Comment: KMT2C: BP4, BP7